The following is an entry in ClinVar:

NM_004655.4(AXIN2):c.596A>C (p.Tyr199Ser)

Gene: AXIN2 (axin 2; minus strand). Cytogenetic location: 17q24.1.
Variant type: single nucleotide variant.
Coding change: c.596A>C on transcript NM_004655.4 (MANE Select); coding-DNA position 596, A replaced by C.
Protein change: p.Tyr199Ser; replaces tyrosine 199 with serine.
Molecular consequence: missense variant.
Genome position (GRCh38, 1-based): chr17:65,558,025, T>G on the plus strand (A>C on the coding strand, the complement: AXIN2 is on the minus strand). VCF-style: chr17-65558025-T-G. GRCh37 (hg19) VCF-style: chr17-63554143-T-G.
Other names: c.596A>C, p.Tyr199Ser (NM_001363813.1); short protein forms Y199S.
Identifiers: ClinVar variation 5032668 (VCV005032668.1).

ClinVar aggregate classification (germline): Uncertain significance (1 of 4 stars; one submission).

Conditions:
Hereditary cancer-predisposing syndrome. Also called: Neoplastic Syndromes, Hereditary; Tumor predisposition; Hereditary neoplastic syndrome; Hereditary Cancer Syndrome. Identifiers: Orphanet 140162, MedGen C0027672, MeSH D009386, MONDO:0015356.

Submission:

Ambry Genetics
Classification: Uncertain significance for Hereditary cancer-predisposing syndrome. Last evaluated: 2026-07-30. Review status: criteria provided, single submitter. Criteria: Ambry Variant Classification Scheme 2023. Collection method: clinical testing. Allele origin: germline.
Comment: The p.Y199S variant (also known as c.596A>C), located in coding exon 1 of the AXIN2 gene, results from an A to C substitution at nucleotide position 596. The tyrosine at codon 199 is replaced by serine, an amino acid with dissimilar properties. This amino acid position is conserved. In addition, the in silico prediction for this alteration is inconclusive. Based on the available evidence, the clinical significance of this variant remains unclear.